The following is an entry in ClinVar:

ClinVar aggregate classification (germline): Benign (1 of 4 stars; one submission).

Conditions:
Autosomal recessive juvenile Parkinson disease 2. Also called: PARKINSON DISEASE, JUVENILE, AUTOSOMAL RECESSIVE; Parkinson disease autosomal recessive, early onset; Juvenile parkinsonism; Parkinsonism, early onset, with diurnal fluctuation; PRKN-Related Early-Onset Parkinson Disease; Parkinson disease, juvenile, type 2. Identifiers: Orphanet 2828, MedGen C1868675, MONDO:0010820, OMIM 600116.

Allele frequency attached by ClinVar (database versions not stated): gnomAD 0.04051 and 0.04671; TOPMed 0.04177; 1000 Genomes Project 30x 0.07167; 1000 Genomes Project 0.07388.

Submission:

Illumina Laboratory Services, Illumina
Classification: Benign for Autosomal recessive juvenile Parkinson disease 2. Last evaluated: 2018-01-13. Review status: criteria provided, single submitter. Criteria: ICSL Variant Classification Criteria 13 December 2019. Collection method: clinical testing. Allele origin: germline.
Comment: This variant was observed in the ICSL laboratory as part of a predisposition screen in an ostensibly healthy population. It had not been previously curated by ICSL or reported in the Human Gene Mutation Database (HGMD: prior to June 1st, 2018), and was therefore a candidate for classification through an automated scoring system. Utilizing variant allele frequency, disease prevalence and penetrance estimates, and inheritance mode, an automated score was calculated to assess if this variant is too frequent to cause the disease. Based on the score and internal cut-off values, a variant classified as benign is not then subjected to further curation. The score for this variant resulted in a classification of benign for this disease.

NM_004562.3(PRKN):c.*2492A>G

Gene: PRKN (parkin RBR E3 ubiquitin protein ligase; minus strand). Cytogenetic location: 6q26.
Variant type: single nucleotide variant.
Coding change: c.*2492A>G on transcript NM_004562.3 (MANE Select); 2492 bases downstream of the stop codon, A replaced by G.
Molecular consequence: 3 prime UTR variant.
Genome position (GRCh38, 1-based): chr6:161,347,607, T>C on the plus strand (A>G on the coding strand, the complement: PRKN is on the minus strand). VCF-style: chr6-161347607-T-C. GRCh37 (hg19) VCF-style: chr6-161768639-T-C.
Other names: c.*2492A>G (NM_013987.3, NM_013988.3).
Identifiers: ClinVar variation 355980 (VCV000355980.5), dbSNP rs117341007, ClinGen allele CA10626409.
Genomic context (GRCh38, chr6:161,347,607, plus strand): 5'-TACACCCTTCCTGTGCAAATAATACTGTGATTCATGTTCATGTGTAGTGGATGATCTTGC[T>C]TTTTTGTTTTTGTTTTTTTTTTTTTTTTGAGACAGAGTCTCACTCTGTTGCCCAGGCTGG-3'